The following is an entry in ClinVar:

NM_007294.4(BRCA1):c.3710del (p.Ile1237fs)

Genes: BRCA1 (BRCA1 DNA repair associated; minus strand), LOC126862571 (BRD4-independent group 4 enhancer GRCh37_chr17:41243136-41244335; plus strand). Cytogenetic location: 17q21.31.
Variant type: Deletion.
Coding change: c.3710del on transcript NM_007294.4 (MANE Select); coding-DNA position 3710, one base deleted (T; older notation c.3710delT).
Protein change: p.Ile1237fs; shifts the reading frame from isoleucine 1237.
Molecular consequence: frameshift variant. On other transcripts: intron variant (135).
Genome position (GRCh38, 1-based): chr17:43,091,821, A deleted on the plus strand (T on the coding strand, the reverse complement: BRCA1 is on the minus strand). VCF-style (leftmost placement, unchanged base first): chr17-43091820-TA-T. GRCh37 (hg19) VCF-style: chr17-41243837-TA-T.
Other names: 3829delT; c.3497del, p.Ile1166fs (NM_001407571.1, NM_001407853.1, NM_001407894.1 and 9 more transcripts); c.3710del, p.Ile1237fs (NM_001407581.1, NM_001407582.1, NM_001407583.1 and 30 more transcripts); c.3707del, p.Ile1236fs (NM_001407587.1, NM_001407590.1, NM_001407591.1 and 22 more transcripts); c.3701del, p.Ile1234fs (NM_001407646.1, NM_001407647.1); c.3587del, p.Ile1196fs (NM_001407648.1, NM_001407664.1, NM_001407665.1 and 19 more transcripts); c.3584del, p.Ile1195fs (NM_001407649.1, NM_001407670.1, NM_001407671.1 and 11 more transcripts); c.3632del, p.Ile1211fs (NM_001407653.1, NM_001407654.1, NM_001407655.1 and 4 more transcripts); and 42 more; short protein forms I1237fs, I1190fs, I1110fs, I1169fs, I1211fs, I1236fs, I941fs, I1109fs.
Identifiers: ClinVar variation 54972 (VCV000054972.57), dbSNP rs80357564, ClinGen allele CA002379.

ClinVar aggregate classification (germline): Pathogenic. Review status: reviewed by expert panel (3 of 4 stars). 20 submissions from 20 submitters: Pathogenic (1). 19 of the submissions do not count toward it. Last evaluated 2016-09-08.

Conditions:
Hereditary cancer-predisposing syndrome. Also called: Hereditary Cancer Syndrome; Hereditary neoplastic syndrome; Neoplastic Syndromes, Hereditary; Tumor predisposition. Identifiers: Orphanet 140162, MedGen C0027672, MeSH D009386, MONDO:0015356.
Breast-ovarian cancer, familial, susceptibility to, 1 (BROVCA1). Also called: BRCA1 Hereditary Breast and Ovarian Cancer; OVARIAN CANCER, SUSCEPTIBILITY TO. Identifiers: Orphanet 145, MedGen C2676676, MONDO:0011450, OMIM 604370. Disease mechanism: loss of function.
Hereditary breast ovarian cancer syndrome. Also called: BRCA1- and BRCA2-Associated Hereditary Breast and Ovarian Cancer; Hereditary breast and ovarian cancer syndrome; Hereditary breast and ovarian cancer syndrome (HBOC); Breast and ovarian cancer; Hereditary breast and/or ovarian cancer syndrome; Hereditary breast and ovarian cancer. Identifiers: Orphanet 145, MedGen C0677776, MeSH D061325, MONDO:0003582. Disease mechanism: loss of function.

Submissions 1 to 10 of 20:

Evidence-based Network for the Interpretation of Germline Mutant Alleles (ENIGMA)
Classification: Pathogenic for Breast-ovarian cancer, familial, susceptibility to, 1. Last evaluated: 2016-09-08. Review status: reviewed by expert panel. Criteria: ENIGMA BRCA1/2 Classification Criteria (2015). Collection method: curation. Allele origin: germline.
Comment: Variant allele predicted to encode a truncated non-functional protein.

Labcorp Genetics (formerly Invitae), Labcorp
Classification: Pathogenic for Hereditary breast ovarian cancer syndrome. Last evaluated: 2026-01-18. Review status: criteria provided, single submitter. Criteria: Invitae Variant Classification Sherloc (09022015). Collection method: clinical testing. Allele origin: germline. Not counted in ClinVar's aggregate classification.
Comment: This sequence change creates a premature translational stop signal (p.Ile1237Asnfs*27) in the BRCA1 gene. It is expected to result in an absent or disrupted protein product. Loss-of-function variants in BRCA1 are known to be pathogenic (PMID: 20104584). This variant is not present in population databases (gnomAD no frequency). This variant has not been reported in the literature in individuals affected with BRCA1-related conditions. This variant is also known as 3829delT. ClinVar contains an entry for this variant (Variation ID: 54972). For these reasons, this variant has been classified as Pathogenic.

Center for Genomic Medicine, Rigshospitalet, Copenhagen University Hospital
Classification: Pathogenic. Last evaluated: 2025-12-29. Review status: criteria provided, single submitter. Criteria: ACMG Guidelines, 2015. Collection method: clinical testing. Allele origin: germline. Not counted in ClinVar's aggregate classification.
Comment: Classification criteria: PM2_supporting, PVS1, PM5_strong

Color Diagnostics, LLC DBA Color Health
Classification: Pathogenic for Hereditary cancer-predisposing syndrome. Last evaluated: 2025-06-04. Review status: criteria provided, single submitter. Criteria: ACMG Guidelines, 2015. Collection method: clinical testing. Allele origin: germline. Not counted in ClinVar's aggregate classification.
Comment: This variant deletes 1 nucleotide in exon 10 of the BRCA1 gene, creating a frameshift and premature translation stop signal. This variant is expected to result in an absent or non-functional protein product. To our knowledge, functional studies have not been reported for this variant. This variant has been reported in multiple individuals and families affected with breast and ovarian cancer (PMID: 8644702, 11504767, 14746861, 18465347, 18559594, 20104584, 24131973) and it has been reported as a recurrent mutation in Scandinavian populations (PMID: 10788334, 18465347, 23199084). This variant has not been identified in the general population by the Genome Aggregation Database (gnomAD). Loss of BRCA1 function is a known mechanism of disease. Based on the available evidence, this variant is classified as Pathogenic.

Molecular Diagnostics Laboratory, Catalan Institute of Oncology
Classification: Pathogenic for Hereditary cancer-predisposing syndrome. Last evaluated: 2025-03-23. Review status: criteria provided, single submitter. Criteria: ClinGen BRCA1BRCA2 ACMG Specifications BRCA1 V1.0.0. Collection method: clinical testing. Allele origin: germline. Not counted in ClinVar's aggregate classification.
Comment: PVS1, PM5_PTC_Strong c.3710del, located in exon 10 (11 according BIC nomenclature) of the BRCA1 gene, consists in the deletion of 1 nucleotide causing a translational frameshift with a predicted alternate stop codon, p.(Ile1237Asnfs*27). This alteration is expected to result in loss of function by premature protein truncation and nonsense-mediated mRNA decay (PVS1, PM5_PTC_Strong). It is not present in the population database gnomAD v2.1.1, non cancer dataset. No effect is predicted on splicing by SpliceAI. To our knowledge, no functional studies has been reported for this variant. In addition, the variant was also identified in the following databases: BRCA Exchange (pathogenic: “Variant allele predicted to encode a truncated non-functional protein”), ClinVar (17x pathogenic) and LOVD (11x pathogenic, 1x not classified). Based on currently available information, c.3710del is classified as a pathogenic variant according to ClinGen-BRCA1 Guidelines version v1.0.0.

Department of Clinical Genetics, Copenhagen University Hospital, Rigshospitalet
Classification: Pathogenic for Breast-ovarian cancer, familial, susceptibility to, 1. Last evaluated: 2024-05-27. Review status: criteria provided, single submitter. Criteria: ACMG Guidelines, 2015. Collection method: clinical testing. Allele origin: germline. Affected: yes. Not counted in ClinVar's aggregate classification.
Comment: PVS1; PM2_supporting; PM5_PTC_Strong

Ambry Genetics
Classification: Pathogenic for Hereditary cancer-predisposing syndrome. Last evaluated: 2024-02-19. Review status: criteria provided, single submitter. Criteria: Ambry Variant Classification Scheme 2023. Collection method: clinical testing. Allele origin: germline. Not counted in ClinVar's aggregate classification.
Comment: The c.3710delT pathogenic mutation, located in coding exon 9 of the BRCA1 gene, results from a deletion of one nucleotide at nucleotide position 3710, causing a translational frameshift with a predicted alternate stop codon (p.I1237Nfs*27). This alteration has been reported in multiple patients with breast and/or ovarian cancer and has been established as a common mutation in the Scandinavian region (Johannsson O et al. Am. J. Hum. Genet., 1996 Mar;58:441-50; Loman N et al. J. Natl. Cancer Inst. 2001 Aug;93(16):1215-23; Malander S et al. Eur. J. Cancer, 2004 Feb;40:422-8; Soegaard N et al. Clin. Cancer Res. 2008 Jun;14(12):3761-7); Thomassen N et al. Acta Oncol 2008 ;47(4):772-7; Borg A et al. Hum. Mutat., 2010 Mar;31:E1200-40; Janaviius R. EPMA J, 2010 Sep;1:397-412; Safra T et al. Ann. Oncol., 2013 Nov;24 Suppl 8:viii63-viii68; Heramb C et al. Hered Cancer Clin Pract. 2018 Jan 10;16:3). Of note, this alteration is also referred to as 3829delT in published literature. In addition to the clinical data presented in the literature, this alteration is expected to result in loss of function by premature protein truncation or nonsense-mediated mRNA decay. As such, this alteration is interpreted as a disease-causing mutation.

Quest Diagnostics Nichols Institute San Juan Capistrano
Classification: Pathogenic. Last evaluated: 2023-12-11. Review status: criteria provided, single submitter. Criteria: Quest Diagnostics criteria. Collection method: clinical testing. Allele origin: unknown. Not counted in ClinVar's aggregate classification.
Comment: The BRCA1 c.3710del (p.Ile1237Asnfs*27) variant alters the translational reading frame of the BRCA1 mRNA and causes the premature termination of BRCA1 protein synthesis. This variant has been reported in the published literature in individuals with ovarian cancer (PMID: 8644702 (1996), 14746861 (2004), 18559594 (2008), 31825140 (2019)), endometrial cancer (PMID: 31263571 (2019)), and breast cancer (PMID: 22010008 (2011), 24131973 (2013), 33471991 (2021), see also LOVD). This variant has also been reported as a frequent mutation in the Danish HBOC families (PMID: 18465347 (2008)). This variant has not been reported in large, multi-ethnic general populations (Genome Aggregation Database). Based on the available information, this variant is classified as pathogenic.

Clinical Genetics Laboratory, Skane University Hospital Lund
Classification: Pathogenic. Last evaluated: 2023-11-07. Review status: criteria provided, single submitter. Criteria: ACMG Guidelines, 2015. Collection method: clinical testing. Allele origin: germline. Affected: yes. Not counted in ClinVar's aggregate classification.

Baylor Genetics
Classification: Pathogenic for Breast-ovarian cancer, familial, susceptibility to, 1. Last evaluated: 2023-05-14. Review status: criteria provided, single submitter. Criteria: ACMG Guidelines, 2015. Collection method: clinical testing. Allele origin: unknown. Not counted in ClinVar's aggregate classification.